The following is an entry in ClinVar:

NM_001621.5(AHR):c.38G>T (p.Arg13Leu)

Genes: AHR (aryl hydrocarbon receptor; plus strand), LOC129998012 (ATAC-STARR-seq lymphoblastoid silent region 17985; plus strand). Cytogenetic location: 7p21.1.
Variant type: single nucleotide variant.
Coding change: c.38G>T on transcript NM_001621.5 (MANE Select); coding-DNA position 38, G replaced by T.
Protein change: p.Arg13Leu; replaces arginine 13 with leucine.
Molecular consequence: missense variant.
Genome position (GRCh38, 1-based): chr7:17,299,302, G>T. VCF-style: chr7-17299302-G-T. GRCh37 (hg19) VCF-style: chr7-17338926-G-T.
Other names: short protein forms R13L.
Identifiers: ClinVar variation 1489685 (VCV001489685.5), dbSNP rs951550040, ClinGen allele CA154828446.

ClinVar aggregate classification (germline): Uncertain significance (1 of 4 stars; one submission).

Allele frequency attached by ClinVar (database versions not stated): TOPMed below 0.00001.

Submission:

Labcorp Genetics (formerly Invitae), Labcorp
Classification: Uncertain significance. Last evaluated: 2022-06-27. Review status: criteria provided, single submitter. Criteria: Invitae Variant Classification Sherloc (09022015). Collection method: clinical testing. Allele origin: germline.
Comment: In summary, the available evidence is currently insufficient to determine the role of this variant in disease. Therefore, it has been classified as a Variant of Uncertain Significance. This sequence change replaces arginine, which is basic and polar, with leucine, which is neutral and non-polar, at codon 13 of the AHR protein (p.Arg13Leu). This variant is not present in population databases (gnomAD no frequency). This variant has not been reported in the literature in individuals affected with AHR-related conditions. Algorithms developed to predict the effect of missense changes on protein structure and function are either unavailable or do not agree on the potential impact of this missense change (SIFT: "Deleterious"; PolyPhen-2: "Benign"; Align-GVGD: "Class C0").